The following is an entry in ClinVar:

ClinVar aggregate classification (germline): Uncertain significance. Review status: criteria provided, multiple submitters, no conflicts (2 of 4 stars). 3 submissions from 3 submitters: Uncertain significance (3). Last evaluated 2026-02-17.

Conditions:
Brittle cornea syndrome 2 (BCS2). Identifiers: Orphanet 90354, MedGen C3280011, MONDO:0013605, OMIM 614170.

gnomAD v4.1: 36 of 1,613,642 alleles (0.0022%); highest among the groups gnomAD compares: Non-Finnish European, 0.0024%; no homozygotes.

Submissions (3):

Women's Health and Genetics/Laboratory Corporation of America, LabCorp
Classification: Uncertain significance. Last evaluated: 2026-02-17. Review status: criteria provided, single submitter. Criteria: LabCorp Variant Classification Summary - May 2015. Collection method: clinical testing. Allele origin: germline.
Comment: Variant summary: PRDM5 c.644A>G (p.Gln215Arg) results in a conservative amino acid change in the encoded protein sequence. Algorithms developed to predict the effect of missense changes on protein structure and function are either unavailable or do not agree on the potential impact of this missense change. The variant allele was found at a frequency of 3.6e-05 in 251058 control chromosomes. The available data on variant occurrences in the general population are insufficient to allow any conclusion about variant significance. To our knowledge, no occurrence of c.644A>G in individuals affected with PRDM5-related conditions and no experimental evidence demonstrating its impact on protein function have been reported. ClinVar contains an entry for this variant (Variation ID: 3589787). Based on the evidence outlined above, the variant was classified as uncertain significance.

GeneDx
Classification: Uncertain significance. Last evaluated: 2024-10-02. Review status: criteria provided, single submitter. Criteria: GeneDx Variant Classification Process June 2021. Collection method: clinical testing. Allele origin: germline. Affected: yes.
Comment: In silico analysis indicates that this missense variant does not alter protein structure/function; Has not been previously published as pathogenic or benign to our knowledge

Fulgent Genetics
Classification: Uncertain significance for Brittle cornea syndrome 2. Last evaluated: 2024-05-09. Review status: criteria provided, single submitter. Criteria: ACMG Guidelines, 2015. Collection method: clinical testing. Allele origin: germline.

NM_018699.4(PRDM5):c.644A>G (p.Gln215Arg)

Gene: PRDM5 (PR/SET domain 5; minus strand). Cytogenetic location: 4q27.
Variant type: single nucleotide variant.
Coding change: c.644A>G on transcript NM_018699.4 (MANE Select); coding-DNA position 644, A replaced by G.
Protein change: p.Gln215Arg; replaces glutamine 215 with arginine.
Molecular consequence: missense variant.
Genome position (GRCh38, 1-based): chr4:120,818,359, T>C on the plus strand (A>G on the coding strand, the complement: PRDM5 is on the minus strand). VCF-style: chr4-120818359-T-C. GRCh37 (hg19) VCF-style: chr4-121739514-T-C.
Other names: c.644A>G, p.Gln215Arg (NM_001300823.2, NM_001300824.2, NM_001379104.1 and 1 more transcripts); c.644A>G (NM_018699.2); short protein forms Q215R.
Identifiers: ClinVar variation 3589787 (VCV003589787.3).